The following is an entry in ClinVar:

ClinVar aggregate classification (germline): Uncertain significance (1 of 4 stars; one submission).

Conditions:
Adams-Oliver syndrome 5 (AOS5). Identifiers: Orphanet 974, MedGen C4014970, MONDO:0014459, OMIM 616028.

gnomAD v4.1: 2 of 1,575,374 alleles (0.00013%); highest among the groups gnomAD compares: Admixed American, 0.0018%; no homozygotes.

Submission:

Labcorp Genetics (formerly Invitae), Labcorp
Classification: Uncertain significance for Adams-Oliver syndrome 5. Last evaluated: 2024-02-04. Review status: criteria provided, single submitter. Criteria: Invitae Variant Classification Sherloc (09022015). Collection method: clinical testing. Allele origin: germline.
Comment: This sequence change replaces asparagine, which is neutral and polar, with serine, which is neutral and polar, at codon 41 of the NOTCH1 protein (p.Asn41Ser). The frequency data for this variant in the population databases is considered unreliable, as metrics indicate poor data quality at this position in the gnomAD database. This variant has not been reported in the literature in individuals affected with NOTCH1-related conditions. Advanced modeling of protein sequence and biophysical properties (such as structural, functional, and spatial information, amino acid conservation, physicochemical variation, residue mobility, and thermodynamic stability) performed at Invitae indicates that this missense variant is not expected to disrupt NOTCH1 protein function with a negative predictive value of 95%. In summary, the available evidence is currently insufficient to determine the role of this variant in disease. Therefore, it has been classified as a Variant of Uncertain Significance.

NM_017617.5(NOTCH1):c.122A>G (p.Asn41Ser)

Gene: NOTCH1 (notch receptor 1; minus strand). Cytogenetic location: 9q34.3.
Variant type: single nucleotide variant.
Coding change: c.122A>G on transcript NM_017617.5 (MANE Select); coding-DNA position 122, A replaced by G.
Protein change: p.Asn41Ser; replaces asparagine 41 with serine.
Molecular consequence: missense variant.
Genome position (GRCh38, 1-based): chr9:136,544,042, T>C on the plus strand (A>G on the coding strand, the complement: NOTCH1 is on the minus strand). VCF-style: chr9-136544042-T-C. GRCh37 (hg19) VCF-style: chr9-139438494-T-C.
Other names: short protein forms N41S.
Identifiers: ClinVar variation 3615883 (VCV003615883.2).